The following is an entry in ClinVar:

ClinVar aggregate classification (germline): Uncertain significance. Review status: criteria provided, multiple submitters, no conflicts (2 of 4 stars). 2 submissions from 2 submitters: Uncertain significance (2). Last evaluated 2025-11-20.

Conditions:
Inborn genetic diseases. Identifiers: MedGen C0950123, MeSH D030342.

Allele frequency attached by ClinVar (database versions not stated): ExAC 0.00002; gnomAD exomes 0.00001.

Submissions (2):

Ambry Genetics
Classification: Uncertain significance for Inborn genetic diseases. Last evaluated: 2025-11-20. Review status: criteria provided, single submitter. Criteria: Ambry Variant Classification Scheme 2023. Collection method: clinical testing. Allele origin: germline.

Labcorp Genetics (formerly Invitae), Labcorp
Classification: Uncertain significance. Last evaluated: 2025-07-01. Review status: criteria provided, single submitter. Criteria: Invitae Variant Classification Sherloc (09022015). Collection method: clinical testing. Allele origin: germline.
Comment: This sequence change replaces arginine, which is basic and polar, with cysteine, which is neutral and slightly polar, at codon 198 of the COL9A2 protein (p.Arg198Cys). This variant is present in population databases (rs767929481, gnomAD 0.006%). This variant has not been reported in the literature in individuals affected with COL9A2-related conditions. ClinVar contains an entry for this variant (Variation ID: 2966439). Invitae Evidence Modeling of protein sequence and biophysical properties (such as structural, functional, and spatial information, amino acid conservation, physicochemical variation, residue mobility, and thermodynamic stability) indicates that this missense variant is not expected to disrupt COL9A2 protein function with a negative predictive value of 95%. In summary, the available evidence is currently insufficient to determine the role of this variant in disease. Therefore, it has been classified as a Variant of Uncertain Significance.

NM_001852.4(COL9A2):c.592C>T (p.Arg198Cys)

Gene: COL9A2 (collagen type IX alpha 2 chain; minus strand). Cytogenetic location: 1p34.2.
Variant type: single nucleotide variant.
Coding change: c.592C>T on transcript NM_001852.4 (MANE Select); coding-DNA position 592, C replaced by T.
Protein change: p.Arg198Cys; replaces arginine 198 with cysteine.
Molecular consequence: missense variant.
Genome position (GRCh38, 1-based): chr1:40,311,131, G>A on the plus strand (C>T on the coding strand, the complement: COL9A2 is on the minus strand). VCF-style: chr1-40311131-G-A. GRCh37 (hg19) VCF-style: chr1-40776803-G-A.
Other names: c.592C>T (NM_001852.3); short protein forms R198C.
Identifiers: ClinVar variation 2966439 (VCV002966439.4), dbSNP rs767929481, ClinGen allele CA791840.